The following is an entry in ClinVar:

ClinVar aggregate classification (germline): Likely pathogenic (1 of 4 stars; one submission).

Conditions:
Autosomal recessive nonsyndromic hearing loss 12. Also called: DEAFNESS, AUTOSOMAL RECESSIVE 12. Identifiers: Orphanet 90636, MedGen C1832394, MONDO:0011067, OMIM 601386.

Submission:

Institute of Rare Diseases, West China Hospital, Sichuan University
Classification: Likely pathogenic for Autosomal recessive nonsyndromic hearing loss 12. Last evaluated: 2025-01-09. Review status: criteria provided, single submitter. Criteria: ClinGen HL ACMG Specifications v1. Collection method: research. Allele origin: germline. Affected: yes.
Comment: PVS1;PM2_Supporting

NM_022124.6(CDH23):c.2803del (p.Arg935fs)

Gene: CDH23 (cadherin related 23; plus strand). Cytogenetic location: 10q22.1.
Variant type: Deletion.
Coding change: c.2803del on transcript NM_022124.6 (MANE Select); coding-DNA position 2803, one base deleted (C; older notation c.2803delC).
Protein change: p.Arg935fs; shifts the reading frame from arginine 935.
Molecular consequence: frameshift variant.
Genome position (GRCh38, 1-based): chr10:71,704,980, C deleted; the last of 4 consecutive C bases (chr10:71,704,977-71,704,980); deleting any one gives the same sequence. VCF-style (leftmost placement, unchanged base first): chr10-71704976-GC-G. GRCh37 (hg19) VCF-style: chr10-73464733-GC-G.
Other names: c.2803del, p.Arg935fs (NM_001171930.2, NM_001171931.2); short protein forms R935fs.
Identifiers: ClinVar variation 3601225 (VCV003601225.1).